The following is an entry in ClinVar:

ClinVar aggregate classification (germline): Uncertain significance (1 of 4 stars; one submission).

gnomAD v4.1: 7 of 1,611,898 alleles (0.00043%); highest among the groups gnomAD compares: Non-Finnish European, 0.00051%; no homozygotes.

Submission:

Ambry Genetics
Classification: Uncertain significance. Last evaluated: 2025-08-02. Review status: criteria provided, single submitter. Criteria: Ambry Variant Classification Scheme 2023. Collection method: clinical testing. Allele origin: germline.
Comment: The p.K487Q variant (also known as c.1459A>C), located in coding exon 12 of the RECQL gene, results from an A to C substitution at nucleotide position 1459. The lysine at codon 487 is replaced by glutamine, an amino acid with similar properties. This amino acid position is conserved. In addition, this alteration is predicted to be tolerated by in silico analysis. Based on the available evidence, the clinical significance of this variant remains unclear.

NM_002907.4(RECQL):c.1459A>C (p.Lys487Gln)

Gene: RECQL (RecQ like helicase; minus strand). Cytogenetic location: 12p12.1.
Variant type: single nucleotide variant.
Coding change: c.1459A>C on transcript NM_002907.4 (MANE Select); coding-DNA position 1459, A replaced by C.
Protein change: p.Lys487Gln; replaces lysine 487 with glutamine.
Molecular consequence: missense variant.
Genome position (GRCh38, 1-based): chr12:21,471,636, T>G on the plus strand (A>C on the coding strand, the complement: RECQL is on the minus strand). VCF-style: chr12-21471636-T-G. GRCh37 (hg19) VCF-style: chr12-21624570-T-G.
Other names: c.1459A>C, p.Lys487Gln (NM_032941.3); short protein forms K487Q.
Identifiers: ClinVar variation 4152293 (VCV004152293.1).